The following is an entry in ClinVar:

ClinVar aggregate classification (germline): Uncertain significance. Review status: criteria provided, multiple submitters, no conflicts (2 of 4 stars). 2 submissions from 2 submitters: Uncertain significance (2). Last evaluated 2024-09-12.

Submissions (2):

GeneDx
Classification: Uncertain significance. Last evaluated: 2024-09-12. Review status: criteria provided, single submitter. Criteria: GeneDx Variant Classification Process June 2021. Collection method: clinical testing. Allele origin: germline. Affected: yes.
Comment: Not observed at significant frequency in large population cohorts (gnomAD); In silico analysis supports that this missense variant has a deleterious effect on protein structure/function; Has not been previously published as pathogenic or benign to our knowledge; This variant is associated with the following publications: (PMID: 21520338, 31554319, 9590290)

Laboratory for Molecular Medicine, Mass General Brigham Personalized Medicine
Classification: Uncertain significance. Last evaluated: 2013-09-18. Review status: criteria provided, single submitter. Criteria: LMM Criteria. Collection method: clinical testing. Allele origin: germline. Inheritance: Autosomal dominant inheritance. Observed: 1 variant allele.
Comment: Variant classified as Uncertain Significance - Favor Pathogenic. The Cys1509Trp variant in TECTA has not been reported in individuals with hearing loss or in la rge population studies. However, a missense variant at the same amino acid posit ion (Cys1509Gly) has previously been reported in a large family with hearing los s inherited in an autosomal dominant pattern (Pfister 2004), and a mouse model d emonstrated that this variant (Cys1509Gly) disrupted the normal function of the protein and caused hearing loss in mice (Xia 2010). Computational analyses (bioc hemical amino acid properties, conservation, AlignGVGD, PolyPhen2, and SIFT) sug gest that the Cys1509Trp variant may impact the protein, though this information is not predictive enough to determine pathogenicity. In summary, the clinical s ignificance of the Cys1509Trp variant cannot be determined with certainty; howev er based upon the data on the other variant at the same position, we would lean towards a more likely pathogenic role

Literature cited by the submitters: PubMed 15319541 (cited by Laboratory for Molecular Medicine, Mass General Brigham Personalized Medicine); PubMed 20142329 (cited by Laboratory for Molecular Medicine, Mass General Brigham Personalized Medicine).

NM_005422.4(TECTA):c.4527C>G (p.Cys1509Trp)

Genes: TBCEL-TECTA (TBCEL-TECTA readthrough; plus strand), TECTA (tectorin alpha; plus strand). Cytogenetic location: 11q23.3.
Variant type: single nucleotide variant.
Coding change: c.4527C>G on transcript NM_005422.4 (MANE Select); coding-DNA position 4527, C replaced by G.
Protein change: p.Cys1509Trp; replaces cysteine 1509 with tryptophan.
Molecular consequence: missense variant.
Genome position (GRCh38, 1-based): chr11:121,158,062, C>G. VCF-style: chr11-121158062-C-G. GRCh37 (hg19) VCF-style: chr11-121028771-C-G.
Other names: c.5484C>G, p.Cys1828Trp (NM_001378761.1); short protein forms C1509W, C1828W.
Identifiers: ClinVar variation 165366 (VCV000165366.6), dbSNP rs727503464, ClinGen allele CA178106.